The following is an entry in ClinVar:

ClinVar aggregate classification (germline): Uncertain significance. Review status: criteria provided, multiple submitters, no conflicts (2 of 4 stars). 5 submissions from 5 submitters: Uncertain significance (4). 1 of the submissions does not count toward it. Last evaluated 2025-12-04.

Conditions:
Inborn genetic diseases. Identifiers: MedGen C0950123, MeSH D030342.
DIS3L2-related disorder. Also called: DIS3L2-related condition.
Perlman syndrome (PRLMNS). Identifiers: Orphanet 2849, MedGen C0796113, MONDO:0009965, OMIM 267000.

Allele frequency attached by ClinVar (database versions not stated): ESP Exome Variant Server 0.00008; gnomAD 0.00008; TOPMed 0.00011; 1000 Genomes Project 30x 0.00016.
gnomAD v4.1: 289 of 1,613,882 alleles (0.018%); highest among the groups gnomAD compares: Non-Finnish European, 0.024%; no homozygotes.

Submissions (5):

Ambry Genetics
Classification: Uncertain significance for Inborn genetic diseases. Last evaluated: 2025-12-04. Review status: criteria provided, single submitter. Criteria: Ambry Variant Classification Scheme 2023. Collection method: clinical testing. Allele origin: germline.

Labcorp Genetics (formerly Invitae), Labcorp
Classification: Uncertain significance for Perlman syndrome. Last evaluated: 2025-07-30. Review status: criteria provided, single submitter. Criteria: Invitae Variant Classification Sherloc (09022015). Collection method: clinical testing. Allele origin: germline.
Comment: This sequence change replaces leucine, which is neutral and non-polar, with valine, which is neutral and non-polar, at codon 229 of the DIS3L2 protein (p.Leu229Val). This variant is present in population databases (rs73003124, gnomAD 0.02%). This variant has not been reported in the literature in individuals affected with DIS3L2-related conditions. ClinVar contains an entry for this variant (Variation ID: 463126). Invitae Evidence Modeling of protein sequence and biophysical properties (such as structural, functional, and spatial information, amino acid conservation, physicochemical variation, residue mobility, and thermodynamic stability) indicates that this missense variant is not expected to disrupt DIS3L2 protein function with a negative predictive value of 80%. In summary, the available evidence is currently insufficient to determine the role of this variant in disease. Therefore, it has been classified as a Variant of Uncertain Significance.

Fulgent Genetics
Classification: Uncertain significance for Perlman syndrome. Last evaluated: 2024-02-21. Review status: criteria provided, single submitter. Criteria: ACMG Guidelines, 2015. Collection method: clinical testing. Allele origin: germline.

Breakthrough Genomics
Classification: Uncertain significance. Review status: criteria provided, single submitter. Criteria: ACMG Guidelines, 2015. Collection method: not provided. Allele origin: germline. Inheritance: Autosomal recessive inheritance. Affected: yes.

PreventionGenetics, part of Exact Sciences
Classification: Uncertain significance for DIS3L2-related condition. Last evaluated: 2024-06-28. Review status: no assertion criteria provided. Collection method: clinical testing. Allele origin: germline. Not counted in ClinVar's aggregate classification.
Comment: The DIS3L2 c.685C>G variant is predicted to result in the amino acid substitution p.Leu229Val. To our knowledge, this variant has not been reported in the literature. This variant is reported in 0.018% of alleles in individuals of European (Non-Finnish) descent in gnomAD. This variant is classified as a variant of uncertain significance in ClinVar. At this time, the clinical significance of this variant is uncertain due to the absence of conclusive functional and genetic evidence.

NM_152383.5(DIS3L2):c.685C>G (p.Leu229Val)

Gene: DIS3L2 (DIS3 like 3'-5' exoribonuclease 2; plus strand). Cytogenetic location: 2q37.1.
Variant type: single nucleotide variant.
Coding change: c.685C>G on transcript NM_152383.5 (MANE Select); coding-DNA position 685, C replaced by G.
Protein change: p.Leu229Val; replaces leucine 229 with valine.
Molecular consequence: missense variant. On other transcripts: non-coding transcript variant (2).
Genome position (GRCh38, 1-based): chr2:232,130,702, C>G. VCF-style: chr2-232130702-C-G. GRCh37 (hg19) VCF-style: chr2-232995412-C-G.
Other names: c.685C>G, p.Leu229Val (NM_001257281.2, NM_001257282.2); short protein forms L229V.
Identifiers: ClinVar variation 463126 (VCV000463126.14), dbSNP rs73003124, ClinGen allele CA2163899.